The following is an entry in ClinVar:

ClinVar aggregate classification (germline): Uncertain significance (1 of 4 stars; one submission).

gnomAD v4.1: 24 of 1,612,164 alleles (0.0015%); highest among the groups gnomAD compares: Non-Finnish European, 0.002%; no homozygotes.

Submission:

CeGaT Center for Human Genetics Tuebingen
Classification: Uncertain significance. Last evaluated: 2026-03-01. Review status: criteria provided, single submitter. Criteria: CeGaT Center For Human Genetics Tuebingen Variant Classification Criteria Version 2. Collection method: clinical testing. Allele origin: germline. Affected: yes. Observed: 1 variant allele.
Comment: ARFGEF1: PP2

NM_006421.5(ARFGEF1):c.2317T>G (p.Ser773Ala)

Gene: ARFGEF1 (ARF guanine nucleotide exchange factor 1; minus strand). Cytogenetic location: 8q13.2.
Variant type: single nucleotide variant.
Coding change: c.2317T>G on transcript NM_006421.5 (MANE Select); coding-DNA position 2317, T replaced by G.
Protein change: p.Ser773Ala; replaces serine 773 with alanine.
Molecular consequence: missense variant. On other transcripts: non-coding transcript variant (1).
Genome position (GRCh38, 1-based): chr8:67,258,209, A>C on the plus strand (T>G on the coding strand, the complement: ARFGEF1 is on the minus strand). VCF-style: chr8-67258209-A-C. GRCh37 (hg19) VCF-style: chr8-68170444-A-C.
Other names: c.2317T>G, p.Ser773Ala (NM_001413184.1, NM_001413185.1, NM_001413186.1 and 7 more transcripts); c.1717T>G, p.Ser573Ala (NM_001413188.1, NM_001413193.1, NM_001413197.1); c.892T>G, p.Ser298Ala (NM_001413196.1); short protein forms S298A, S573A, S773A.
Identifiers: ClinVar variation 4820752 (VCV004820752.4).
Genomic context (GRCh38, chr8:67,258,209, plus strand): 5'-CCCCTGGAAGACGAAATCCTTCTAGAAACATACGAAGGGCTGAAACGAAGTCTTTTCCTG[A>C]AAAGTCATGTTGGTCCACATATGCATACATGACTTCTTTGTTAAATTTATCATTATCTCC-3'
Protein context (NP_006412.2, residues 763-783): MYAYVDQHDF[Ser773Ala]GKDFVSALRM